The following is an entry in ClinVar:

NM_013254.4(TBK1):c.965A>T (p.His322Leu)

Gene: TBK1 (TANK binding kinase 1; plus strand). Cytogenetic location: 12q14.2.
Variant type: single nucleotide variant.
Coding change: c.965A>T on transcript NM_013254.4 (MANE Select); coding-DNA position 965, A replaced by T.
Protein change: p.His322Leu; replaces histidine 322 with leucine.
Molecular consequence: missense variant.
Genome position (GRCh38, 1-based): chr12:64,481,994, A>T. VCF-style: chr12-64481994-A-T. GRCh37 (hg19) VCF-style: chr12-64875774-A-T.
Other names: short protein forms H322L.
Identifiers: ClinVar variation 930748 (VCV000930748.3), dbSNP rs751180634, ClinGen allele CA385599484.

ClinVar aggregate classification (germline): Uncertain significance (1 of 4 stars; one submission).

Conditions:
Encephalopathy, acute, infection-induced (herpes-specific), susceptibility to, 8. Also called: HERPES SIMPLEX ENCEPHALITIS, SUSCEPTIBILITY TO, 6. Identifiers: MedGen C4693542, MONDO:0054754, OMIM 617900.

Allele frequency attached by ClinVar (database versions not stated): TOPMed below 0.00001 and 0.00002.
gnomAD v4.1: 14 of 1,599,608 alleles (0.00088%); highest among the groups gnomAD compares: Admixed American, 0.0017%; no homozygotes.

Submission:

Centre for Mendelian Genomics, University Medical Centre Ljubljana
Classification: Uncertain significance for Encephalopathy, acute, infection-induced (herpes-specific), susceptibility to, 8. Last evaluated: 2019-10-03. Review status: criteria provided, single submitter. Criteria: ACMG Guidelines, 2015. Collection method: clinical testing. Allele origin: unknown. Affected: yes.
Comment: This variant was classified as: Uncertain significance. The available evidence on this variant's pathogenicity is insufficient or conflicting. The following ACMG criteria were applied in classifying this variant: PM2,BP4.